The following is an entry in ClinVar:

ClinVar aggregate classification (germline): Uncertain significance (1 of 4 stars; one submission).

Conditions:
Hereditary cancer-predisposing syndrome. Also called: Tumor predisposition; Hereditary neoplastic syndrome; Hereditary Cancer Syndrome; Neoplastic Syndromes, Hereditary. Identifiers: Orphanet 140162, MedGen C0027672, MeSH D009386, MONDO:0015356.

Submission:

Ambry Genetics
Classification: Uncertain significance for Hereditary cancer-predisposing syndrome. Last evaluated: 2023-11-28. Review status: criteria provided, single submitter. Criteria: Ambry Variant Classification Scheme 2023. Collection method: clinical testing. Allele origin: germline.
Comment: The p.F241V variant (also known as c.721T>G), located in coding exon 3 of the XRCC2 gene, results from a T to G substitution at nucleotide position 721. The phenylalanine at codon 241 is replaced by valine, an amino acid with highly similar properties. This amino acid position is conserved. In addition, the in silico prediction for this alteration is inconclusive. Since supporting evidence is limited at this time, the clinical significance of this alteration remains unclear.

NM_005431.2(XRCC2):c.721T>G (p.Phe241Val)

Gene: XRCC2 (X-ray repair cross complementing 2; minus strand). Cytogenetic location: 7q36.1.
Variant type: single nucleotide variant.
Coding change: c.721T>G on transcript NM_005431.2 (MANE Select); coding-DNA position 721, T replaced by G.
Protein change: p.Phe241Val; replaces phenylalanine 241 with valine.
Molecular consequence: missense variant.
Genome position (GRCh38, 1-based): chr7:152,648,764, A>C on the plus strand (T>G on the coding strand, the complement: XRCC2 is on the minus strand). VCF-style: chr7-152648764-A-C. GRCh37 (hg19) VCF-style: chr7-152345849-A-C.
Other names: short protein forms F241V.
Identifiers: ClinVar variation 3224695 (VCV003224695.1), dbSNP rs2485880407, ClinGen allele CA370198087.